The following is an entry in ClinVar:

NM_194454.3(KRIT1):c.815A>G (p.Gln272Arg)

Gene: KRIT1 (KRIT1 ankyrin repeat containing; minus strand). Cytogenetic location: 7q21.2.
Variant type: single nucleotide variant.
Coding change: c.815A>G on transcript NM_194454.3 (MANE Select); coding-DNA position 815, A replaced by G.
Protein change: p.Gln272Arg; replaces glutamine 272 with arginine.
Molecular consequence: missense variant.
Genome position (GRCh38, 1-based): chr7:92,234,838, T>C on the plus strand (A>G on the coding strand, the complement: KRIT1 is on the minus strand). VCF-style: chr7-92234838-T-C. GRCh37 (hg19) VCF-style: chr7-91864152-T-C.
Other names: c.815A>G, p.Gln272Arg (NM_001013406.2, NM_001350669.1, NM_001350670.1 and 29 more transcripts); c.101A>G, p.Gln34Arg (NM_001350671.1); short protein forms Q272R, Q34R.
Identifiers: ClinVar variation 618696 (VCV000618696.9), dbSNP rs765542241, ClinGen allele CA4339303.

ClinVar aggregate classification (germline): Uncertain significance (1 of 4 stars; one submission).

Allele frequency attached by ClinVar (database versions not stated): gnomAD 0.00001; gnomAD exomes 0.00001 and 0.00006; TOPMed 0.00001; ExAC 0.00007.
gnomAD v4.1: 18 of 1,608,126 alleles (0.0011%); highest among the groups gnomAD compares: East Asian, 0.036%; no homozygotes.

Submission:

ARUP Laboratories, Molecular Genetics and Genomics, ARUP Laboratories
Classification: Uncertain significance. Last evaluated: 2018-02-26. Review status: criteria provided, single submitter. Criteria: ARUP Molecular Germline Variant Investigation Process. Collection method: clinical testing. Allele origin: germline.
Comment: The p.Gln272Arg variant (rs765542241) has not been reported in the medical literature, gene specific variation databases, nor has it been previously identified by our laboratory. This variant is listed in the Genome Aggregation Database (gnomAD) with a frequency of 0.08 percent in the East Asian population (identified on 16 out of 18,870 chromosomes). The glutamine at position 272 is highly conserved up to C. elegans considering 12 species (Alamut v2.10) and computational analyses of the p.Gln272Arg variant on protein structure and function indicate a neutral effect (SIFT: tolerated, PolyPhen-2: benign). Altogether, there is not enough evidence to classify the p.Gln272Arg variant with certainty.